The following is an entry in ClinVar:

NM_002860.4(ALDH18A1):c.*140C>T

Gene: ALDH18A1 (aldehyde dehydrogenase 18 family member A1; minus strand). Cytogenetic location: 10q24.1.
Variant type: single nucleotide variant.
Coding change: c.*140C>T on transcript NM_002860.4 (MANE Select); 140 bases downstream of the stop codon, C replaced by T.
Molecular consequence: 3 prime UTR variant.
Genome position (GRCh38, 1-based): chr10:95,606,622, G>A on the plus strand (C>T on the coding strand, the complement: ALDH18A1 is on the minus strand). VCF-style: chr10-95606622-G-A. GRCh37 (hg19) VCF-style: chr10-97366379-G-A.
Other names: c.*140C>T (NM_001017423.2, NM_001323412.2, NM_001323413.2 and 6 more transcripts).
Identifiers: ClinVar variation 301754 (VCV000301754.8), dbSNP rs76824727, ClinGen allele CA10636990.

ClinVar aggregate classification (germline): Conflicting classifications of pathogenicity. Review status: criteria provided, conflicting classifications (1 of 4 stars). 2 submissions from 2 submitters: Uncertain significance (1); Benign (1). Last evaluated 2018-01-13.

Conditions:
Hereditary spastic paraplegia. Also called: Familial spastic paraparesis. Identifiers: Orphanet 685, MedGen C0037773, MONDO:0019064. Disease mechanism: loss of function.
ALDH18A1-related de Barsy syndrome. Also called: Cutis laxa, autosomal recessive IIIA; DE BARSY SYNDROME A. Identifiers: Orphanet 2962, Orphanet 35664, MedGen C5234852, MONDO:0009053, OMIM 219150.

Allele frequency attached by ClinVar (database versions not stated): gnomAD exomes 0.00508; gnomAD 0.00570 and 0.00799; TOPMed 0.00980; 1000 Genomes Project 30x 0.04482; 1000 Genomes Project 0.04812.

Submissions (2):

Illumina Laboratory Services, Illumina
Classification: Benign for ALDH18A1-related de Barsy syndrome. Last evaluated: 2018-01-13. Review status: criteria provided, single submitter. Criteria: ICSL Variant Classification Criteria 13 December 2019. Collection method: clinical testing. Allele origin: germline.
Comment: This variant was observed in the ICSL laboratory as part of a predisposition screen in an ostensibly healthy population. It had not been previously curated by ICSL or reported in the Human Gene Mutation Database (HGMD: prior to June 1st, 2018), and was therefore a candidate for classification through an automated scoring system. Utilizing variant allele frequency, disease prevalence and penetrance estimates, and inheritance mode, an automated score was calculated to assess if this variant is too frequent to cause the disease. Based on the score and internal cut-off values, a variant classified as benign is not then subjected to further curation. The score for this variant resulted in a classification of benign for this disease.

Genome Diagnostics Laboratory, The Hospital for Sick Children
Classification: Uncertain significance for Hereditary spastic paraplegia. Last evaluated: 2016-12-22. Review status: criteria provided, single submitter. Criteria: ACMG Guidelines, 2015. Collection method: clinical testing. Allele origin: germline. Affected: yes.